The following is an entry in ClinVar:

ClinVar aggregate classification (germline): Conflicting classifications of pathogenicity. Review status: criteria provided, conflicting classifications (1 of 4 stars). 3 submissions from 3 submitters: Uncertain significance (2); Likely benign (1). Last evaluated 2025-08-18.

Allele frequency attached by ClinVar (database versions not stated): gnomAD 0.00004; TOPMed 0.00014.

Submissions (3):

Labcorp Genetics (formerly Invitae), Labcorp
Classification: Uncertain significance. Last evaluated: 2025-08-18. Review status: criteria provided, single submitter. Criteria: Invitae Variant Classification Sherloc (09022015). Collection method: clinical testing. Allele origin: germline.
Comment: This sequence change replaces serine, which is neutral and polar, with leucine, which is neutral and non-polar, at codon 1246 of the ARHGEF10 protein (p.Ser1246Leu). This variant is present in population databases (rs111978809, gnomAD 0.006%). This variant has not been reported in the literature in individuals affected with ARHGEF10-related conditions. ClinVar contains an entry for this variant (Variation ID: 2384766). Invitae Evidence Modeling of protein sequence and biophysical properties (such as structural, functional, and spatial information, amino acid conservation, physicochemical variation, residue mobility, and thermodynamic stability) indicates that this missense variant is not expected to disrupt ARHGEF10 protein function with a negative predictive value of 80%. In summary, the available evidence is currently insufficient to determine the role of this variant in disease. Therefore, it has been classified as a Variant of Uncertain Significance.

Ambry Genetics
Classification: Uncertain significance. Last evaluated: 2024-04-29. Review status: criteria provided, single submitter. Criteria: Ambry Variant Classification Scheme 2023. Collection method: clinical testing. Allele origin: germline.

CeGaT Center for Human Genetics Tuebingen
Classification: Likely benign. Last evaluated: 2023-01-01. Review status: criteria provided, single submitter. Criteria: CeGaT Center For Human Genetics Tuebingen Variant Classification Criteria Version 2. Collection method: clinical testing. Allele origin: germline. Affected: yes. Observed: 1 variant allele.
Comment: ARHGEF10: BP4, BS2

NM_014629.4(ARHGEF10):c.3737C>T (p.Ser1246Leu)

Gene: ARHGEF10 (Rho guanine nucleotide exchange factor 10; plus strand). Cytogenetic location: 8p23.3.
Variant type: single nucleotide variant.
Coding change: c.3737C>T on transcript NM_014629.4 (MANE Select); coding-DNA position 3737, C replaced by T.
Protein change: p.Ser1246Leu; replaces serine 1246 with leucine.
Molecular consequence: missense variant.
Genome position (GRCh38, 1-based): chr8:1,956,965, C>T. VCF-style: chr8-1956965-C-T. GRCh37 (hg19) VCF-style: chr8-1905131-C-T.
Other names: c.3623C>T, p.Ser1208Leu (NM_001308152.2); c.3737C>T, p.Ser1246Leu (NM_001308153.3); short protein forms S1208L, S1270L, S1246L.
Identifiers: ClinVar variation 2384766 (VCV002384766.30), dbSNP rs111978809, ClinGen allele CA170597081.
Genomic context (GRCh38, chr8:1,956,965, plus strand): 5'-GAGGAGCTGGTTCATCTCTGAGCCAGGGTGACCCTGACGCAGCCATCTGGTTGGGAGATT[C>T]GCTGGGATCGATGACTCAGAAAAGCGACCTGTCCTCCTCATCTGGGTCCCTGAGCTTGTC-3'
Protein context (NP_055444.2, residues 1236-1256): DPDAAIWLGD[Ser1246Leu]LGSMTQKSDL